The following is an entry in ClinVar:

NM_016247.4(IMPG2):c.3090G>C (p.Trp1030Cys)

Gene: IMPG2 (interphotoreceptor matrix proteoglycan 2; minus strand). Cytogenetic location: 3q12.3.
Variant type: single nucleotide variant.
Coding change: c.3090G>C on transcript NM_016247.4 (MANE Select); coding-DNA position 3090, G replaced by C.
Protein change: p.Trp1030Cys; replaces tryptophan 1030 with cysteine.
Molecular consequence: missense variant.
Genome position (GRCh38, 1-based): chr3:101,232,924, C>G on the plus strand (G>C on the coding strand, the complement: IMPG2 is on the minus strand). VCF-style: chr3-101232924-C-G. GRCh37 (hg19) VCF-style: chr3-100951768-C-G.
Other names: short protein forms W1030C.
Identifiers: ClinVar variation 1466843 (VCV001466843.6), dbSNP rs1706305955, ClinGen allele CA353850335.

ClinVar aggregate classification (germline): Uncertain significance (1 of 4 stars; one submission).

Allele frequency attached by ClinVar (database versions not stated): gnomAD exomes below 0.00001; TOPMed below 0.00001; gnomAD 0.00001.
gnomAD v4.1: 2 of 1,613,862 alleles (0.00012%); highest among the groups gnomAD compares: African/African-American, 0.0027%; no homozygotes.

Submission:

Labcorp Genetics (formerly Invitae), Labcorp
Classification: Uncertain significance. Last evaluated: 2022-06-27. Review status: criteria provided, single submitter. Criteria: Invitae Variant Classification Sherloc (09022015). Collection method: clinical testing. Allele origin: germline.
Comment: In summary, the available evidence is currently insufficient to determine the role of this variant in disease. Therefore, it has been classified as a Variant of Uncertain Significance. Algorithms developed to predict the effect of missense changes on protein structure and function (SIFT, PolyPhen-2, Align-GVGD) all suggest that this variant is likely to be disruptive. This variant has not been reported in the literature in individuals affected with IMPG2-related conditions. This variant is not present in population databases (gnomAD no frequency). This sequence change replaces tryptophan, which is neutral and slightly polar, with cysteine, which is neutral and slightly polar, at codon 1030 of the IMPG2 protein (p.Trp1030Cys).